The following is an entry in ClinVar:

NM_004260.4(RECQL4):c.64C>T (p.Arg22Cys)

Genes: RECQL4 (RecQ like helicase 4; minus strand), LOC130001411 (ATAC-STARR-seq lymphoblastoid silent region 19699; plus strand). Cytogenetic location: 8q24.3.
Variant type: single nucleotide variant.
Coding change: c.64C>T on transcript NM_004260.4 (MANE Select); coding-DNA position 64, C replaced by T.
Protein change: p.Arg22Cys; replaces arginine 22 with cysteine.
Molecular consequence: missense variant.
Genome position (GRCh38, 1-based): chr8:144,517,721, G>A on the plus strand (C>T on the coding strand, the complement: RECQL4 is on the minus strand). VCF-style: chr8-144517721-G-A. GRCh37 (hg19) VCF-style: chr8-145743105-G-A.
Other names: short protein forms R22C.
Identifiers: ClinVar variation 1363561 (VCV001363561.6), dbSNP rs960379510, ClinGen allele CA187691280.

ClinVar aggregate classification (germline): Uncertain significance (1 of 4 stars; one submission).

Conditions:
Baller-Gerold syndrome (BGS). Also called: CRANIOSYNOSTOSIS WITH RADIAL DEFECTS. Identifiers: Orphanet 1225, MedGen C0265308, MONDO:0009039, OMIM 218600.

Allele frequency attached by ClinVar (database versions not stated): gnomAD exomes 0.00001.
gnomAD v4.1: 7 of 1,355,206 alleles (0.00052%); highest among the groups gnomAD compares: South Asian, 0.0052%; no homozygotes.

Submission:

Labcorp Genetics (formerly Invitae), Labcorp
Classification: Uncertain significance for Baller-Gerold syndrome. Last evaluated: 2021-04-28. Review status: criteria provided, single submitter. Criteria: Invitae Variant Classification Sherloc (09022015). Collection method: clinical testing. Allele origin: germline.
Comment: This sequence change replaces arginine with cysteine at codon 22 of the RECQL4 protein (p.Arg22Cys). The arginine residue is weakly conserved and there is a large physicochemical difference between arginine and cysteine. The frequency data for this variant in the population databases is considered unreliable, as metrics indicate insufficient coverage at this position in the ExAC database. This variant has not been reported in the literature in individuals with RECQL4-related conditions. Experimental studies and prediction algorithms are not available or were not evaluated, and the functional significance of this variant is currently unknown. In summary, the available evidence is currently insufficient to determine the role of this variant in disease. Therefore, it has been classified as a Variant of Uncertain Significance.